The following is an entry in ClinVar:

ClinVar aggregate classification (germline): Uncertain significance (1 of 4 stars; one submission).

Conditions:
TMEM67-related disorder. Also called: TMEM67-related condition; TMEM67-related disorders. Identifiers: MedGen CN239423.

gnomAD v4.1: 2 of 1,596,888 alleles (0.00013%); highest among the groups gnomAD compares: African/African-American, 0.0013%; no homozygotes.

Submission:

PreventionGenetics, part of Exact Sciences
Classification: Uncertain significance for TMEM67-related condition. Last evaluated: 2025-09-24. Review status: criteria provided, single submitter. Criteria: ACMG Guidelines, 2015. Collection method: clinical testing. Allele origin: germline.
Comment: The TMEM67 c.2951C>T variant is predicted to result in the amino acid substitution p.Ala984Val. To our knowledge, this variant has not been reported in the literature. This variant is reported in 0.011% of alleles in individuals of African descent in gnomAD. At this time, the clinical significance of this variant is uncertain due to the absence of conclusive functional and genetic evidence.

NM_153704.6(TMEM67):c.2951C>T (p.Ala984Val)

Gene: TMEM67 (transmembrane protein 67; plus strand). Cytogenetic location: 8q22.1.
Variant type: single nucleotide variant.
Coding change: c.2951C>T on transcript NM_153704.6 (MANE Select); coding-DNA position 2951, C replaced by T.
Protein change: p.Ala984Val; replaces alanine 984 with valine.
Molecular consequence: missense variant. On other transcripts: non-coding transcript variant (1).
Genome position (GRCh38, 1-based): chr8:93,816,415, C>T. VCF-style: chr8-93816415-C-T. GRCh37 (hg19) VCF-style: chr8-94828643-C-T.
Other names: c.2708C>T, p.Ala903Val (NM_001142301.1); short protein forms A903V, A984V.
Identifiers: ClinVar variation 4980937 (VCV004980937.1).
Genomic context (GRCh38, chr8:93,816,415, plus strand): 5'-TTGTTTTAATTTTCCAGATTTTTAGATATATCCGTAATACAGTAGGACAAAAGAATTTGG[C>T]ATCCAAAACATTGGTGGATCAAAGATTTTTGATTTAACTTCCTGAATAAATAACTTAAAG-3'
Protein context (NP_714915.3, residues 974-994): IRNTVGQKNL[Ala984Val]SKTLVDQRFL